The following is an entry in ClinVar:

NM_001099274.3(TINF2):c.487C>T (p.Pro163Ser)

Gene: TINF2 (TERF1 interacting nuclear factor 2; minus strand). Cytogenetic location: 14q12.
Variant type: single nucleotide variant.
Coding change: c.487C>T on transcript NM_001099274.3 (MANE Select); coding-DNA position 487, C replaced by T.
Protein change: p.Pro163Ser; replaces proline 163 with serine.
Molecular consequence: missense variant.
Genome position (GRCh38, 1-based): chr14:24,241,224, G>A on the plus strand (C>T on the coding strand, the complement: TINF2 is on the minus strand). VCF-style: chr14-24241224-G-A. GRCh37 (hg19) VCF-style: chr14-24710430-G-A.
Other names: c.382C>T, p.Pro128Ser (NM_001363668.2); c.487C>T, p.Pro163Ser (NM_012461.3); short protein forms P163S, P128S.
Identifiers: ClinVar variation 2999216 (VCV002999216.3), dbSNP rs1328157149, ClinGen allele CA389231435.

ClinVar aggregate classification (germline): Uncertain significance (1 of 4 stars; one submission).

Conditions:
Dyskeratosis congenita. Identifiers: Orphanet 1775, MedGen C0265965, MONDO:0015780.

Submission:

Labcorp Genetics (formerly Invitae), Labcorp
Classification: Uncertain significance for Dyskeratosis congenita. Last evaluated: 2024-01-09. Review status: criteria provided, single submitter. Criteria: Invitae Variant Classification Sherloc (09022015). Collection method: clinical testing. Allele origin: germline.
Comment: This sequence change replaces proline, which is neutral and non-polar, with serine, which is neutral and polar, at codon 163 of the TINF2 protein (p.Pro163Ser). This variant is not present in population databases (gnomAD no frequency). This variant has not been reported in the literature in individuals affected with TINF2-related conditions. An algorithm developed to predict the effect of missense changes on protein structure and function (PolyPhen-2) suggests that this variant is likely to be disruptive. In summary, the available evidence is currently insufficient to determine the role of this variant in disease. Therefore, it has been classified as a Variant of Uncertain Significance.